The following is an entry in ClinVar:

NM_006648.4(WNK2):c.6266C>T (p.Ser2089Phe)

Gene: WNK2 (WNK lysine deficient protein kinase 2; plus strand). Cytogenetic location: 9q22.31.
Variant type: single nucleotide variant.
Coding change: c.6266C>T on transcript NM_006648.4 (MANE Select); coding-DNA position 6266, C replaced by T.
Protein change: p.Ser2089Phe; replaces serine 2089 with phenylalanine.
Molecular consequence: missense variant.
Genome position (GRCh38, 1-based): chr9:93,308,334, C>T. VCF-style: chr9-93308334-C-T. GRCh37 (hg19) VCF-style: chr9-96070616-C-T.
Other names: c.6377C>T, p.Ser2126Phe (NM_001282394.3); short protein forms S2126F, S2089F.
Identifiers: ClinVar variation 5031871 (VCV005031871.1).

ClinVar aggregate classification (germline): Uncertain significance (1 of 4 stars; one submission).

Submission:

Ambry Genetics
Classification: Uncertain significance. Last evaluated: 2026-07-20. Review status: criteria provided, single submitter. Criteria: Ambry Variant Classification Scheme 2023. Collection method: clinical testing. Allele origin: germline.
Comment: The p.S2089F variant (also known as c.6266C>T), located in coding exon 27 of the WNK2 gene, results from a C to T substitution at nucleotide position 6266. The serine at codon 2089 is replaced by phenylalanine, an amino acid with highly dissimilar properties. This amino acid position is conserved. In addition, the in silico prediction for this alteration is inconclusive. Based on the available evidence, the clinical significance of this variant remains unclear.